The following is an entry in ClinVar:

NM_014989.7(RIMS1):c.3565A>G (p.Thr1189Ala)

Gene: RIMS1 (regulating synaptic membrane exocytosis 1; plus strand). Cytogenetic location: 6q13.
Variant type: single nucleotide variant.
Coding change: c.3565A>G on transcript NM_014989.7 (MANE Select); coding-DNA position 3565, A replaced by G.
Protein change: p.Thr1189Ala; replaces threonine 1189 with alanine.
Molecular consequence: missense variant. On other transcripts: intron variant (56).
Genome position (GRCh38, 1-based): chr6:72,290,689, A>G. VCF-style: chr6-72290689-A-G. GRCh37 (hg19) VCF-style: chr6-73000392-A-G.
Other names: c.1639A>G, p.Thr547Ala (NM_001350420.2); c.1621A>G, p.Thr541Ala (NM_001350431.2); c.1708A>G, p.Thr570Ala (NM_001350438.2, NM_001350456.2); c.1711A>G, p.Thr571Ala (NM_001350442.2, NM_001350446.2); c.1570A>G, p.Thr524Ala (NM_001350462.2); c.1632-1245A>G (NM_001350428.2); c.1560-1245A>G (NM_001350459.2, NM_001350424.2); c.1641-1245A>G (NM_001350437.2); and 31 more; short protein forms T1189A, T524A, T541A, T547A, T570A, T571A.
Identifiers: ClinVar variation 1027175 (VCV001027175.8), dbSNP rs768861591, ClinGen allele CA3886297.

ClinVar aggregate classification (germline): Uncertain significance (1 of 4 stars; one submission).

Allele frequency attached by ClinVar (database versions not stated): gnomAD exomes 0.00001 and 0.00003; TOPMed 0.00001; ExAC 0.00004.
gnomAD v4.1: 8 of 1,613,434 alleles (0.0005%); highest among the groups gnomAD compares: Admixed American, 0.012%; no homozygotes.

Submission:

Labcorp Genetics (formerly Invitae), Labcorp
Classification: Uncertain significance. Last evaluated: 2025-01-12. Review status: criteria provided, single submitter. Criteria: Invitae Variant Classification Sherloc (09022015). Collection method: clinical testing. Allele origin: germline.
Comment: This sequence change replaces threonine, which is neutral and polar, with alanine, which is neutral and non-polar, at codon 1189 of the RIMS1 protein (p.Thr1189Ala). This variant is present in population databases (rs768861591, gnomAD 0.02%). This variant has not been reported in the literature in individuals affected with RIMS1-related conditions. ClinVar contains an entry for this variant (Variation ID: 1027175). An algorithm developed to predict the effect of missense changes on protein structure and function (PolyPhen-2) suggests that this variant is likely to be tolerated. In summary, the available evidence is currently insufficient to determine the role of this variant in disease. Therefore, it has been classified as a Variant of Uncertain Significance.